The following is an entry in ClinVar:

NM_004995.4(MMP14):c.40C>T (p.Pro14Ser)

Gene: MMP14 (matrix metallopeptidase 14; plus strand). Cytogenetic location: 14q11.2.
Variant type: single nucleotide variant.
Coding change: c.40C>T on transcript NM_004995.4 (MANE Select); coding-DNA position 40, C replaced by T.
Protein change: p.Pro14Ser; replaces proline 14 with serine.
Molecular consequence: missense variant.
Genome position (GRCh38, 1-based): chr14:22,836,857, C>T. VCF-style: chr14-22836857-C-T. GRCh37 (hg19) VCF-style: chr14-23306066-C-T.
Other names: short protein forms P14S.
Identifiers: ClinVar variation 2681405 (VCV002681405.3), dbSNP rs750574703.

ClinVar aggregate classification (germline): Uncertain significance. Review status: criteria provided, single submitter (1 of 4 stars). 2 submissions from 2 submitters: Uncertain significance (1). 1 of the submissions does not count toward it. Last evaluated 2024-03-12.

Conditions:
EBV-positive nodal T- and NK-cell lymphoma.

Allele frequency attached by ClinVar (database versions not stated): ExAC 0.00001; TOPMed 0.00002.
gnomAD v4.1: 4 of 1,613,628 alleles (0.00025%); highest among the groups gnomAD compares: East Asian, 0.0089%; no homozygotes.

Submissions (2):

Labcorp Genetics (formerly Invitae), Labcorp
Classification: Uncertain significance. Last evaluated: 2024-03-12. Review status: criteria provided, single submitter. Criteria: Invitae Variant Classification Sherloc (09022015). Collection method: clinical testing. Allele origin: germline.
Comment: This sequence change replaces proline, which is neutral and non-polar, with serine, which is neutral and polar, at codon 14 of the MMP14 protein (p.Pro14Ser). This variant is present in population databases (rs750574703, gnomAD 0.02%). This variant has not been reported in the literature in individuals affected with MMP14-related conditions. Algorithms developed to predict the effect of missense changes on protein structure and function output the following: SIFT: "Not Available"; PolyPhen-2: "Not Available"; Align-GVGD: "Not Available". The serine amino acid residue is found in multiple mammalian species, which suggests that this missense change does not adversely affect protein function. In summary, the available evidence is currently insufficient to determine the role of this variant in disease. Therefore, it has been classified as a Variant of Uncertain Significance.

Department of Clinical Pathology, School of Medicine, Fujita Health University
Classification: Likely benign for EBV-positive nodal T- and NK-cell lymphoma. Review status: no assertion criteria provided. Collection method: research. Allele origin: unknown. Affected: yes. Not counted in ClinVar's aggregate classification.